The following is an entry in ClinVar:

ClinVar aggregate classification (germline): Pathogenic (1 of 4 stars; one submission).

Conditions:
Hereditary cancer-predisposing syndrome. Also called: Tumor predisposition; Hereditary Cancer Syndrome; Neoplastic Syndromes, Hereditary; Hereditary neoplastic syndrome. Identifiers: Orphanet 140162, MedGen C0027672, MeSH D009386, MONDO:0015356.

Submission:

Ambry Genetics
Classification: Pathogenic for Hereditary cancer-predisposing syndrome. Last evaluated: 2019-03-07. Review status: criteria provided, single submitter. Criteria: Ambry Variant Classification Scheme 2023. Collection method: clinical testing. Allele origin: germline.
Comment: The c.3250dupG pathogenic mutation, located in coding exon 19 of the PTCH1 gene, results from a duplication of G at nucleotide position 3250, causing a translational frameshift with a predicted alternate stop codon (p.V1084Gfs*61). This alteration is expected to result in loss of function by premature protein truncation or nonsense-mediated mRNA decay. As such, this alteration is interpreted as a disease-causing mutation.

NM_000264.5(PTCH1):c.3250dup (p.Val1084fs)

Gene: PTCH1 (patched 1; minus strand). Cytogenetic location: 9q22.32.
Variant type: Duplication.
Coding change: c.3250dup on transcript NM_000264.5 (MANE Select); coding-DNA position 3250, one base duplicated (G; older notation c.3250dupG).
Protein change: p.Val1084fs; shifts the reading frame from valine 1084.
Molecular consequence: frameshift variant. On other transcripts: non-coding transcript variant (1).
Genome position (GRCh38, 1-based): chr9:95,456,332, C duplicated on the plus strand (G on the coding strand, the reverse complement: PTCH1 is on the minus strand); the first of 2 consecutive C bases (chr9:95,456,332-95,456,333); duplicating either gives the same sequence. VCF-style (leftmost placement, unchanged base first): chr9-95456331-A-AC. GRCh37 (hg19) VCF-style: chr9-98218613-A-AC.
Other names: c.3052dup, p.Val1018fs (NM_001083602.3); c.3247dup, p.Val1083fs (NM_001083603.3); c.2797dup, p.Val933fs (NM_001083604.3, NM_001083605.3, NM_001083606.3 and 1 more transcripts); c.3094dup, p.Val1032fs (NM_001354918.2); short protein forms V1018fs, V1032fs, V1083fs, V1084fs, V933fs.
Identifiers: ClinVar variation 823310 (VCV000823310.4), dbSNP rs1588535611, ClinGen allele CA915947089.